The following is an entry in ClinVar:

NM_000138.4(FBN1):c.6038_6163del

Gene: FBN1 (fibrillin 1; minus strand). Cytogenetic location: 15q21.1.
Variant type: Deletion.
Coding change: c.6038_6163del on transcript NM_000138.4; coding-DNA positions 6038 to 6163, 126 bases deleted.
Genome position (GRCh38, 1-based): chr15:48,441,721-48,441,846, 126 bases deleted. GRCh37 (hg19): chr15:48,733,920-48,734,045.
Identifiers: ClinVar variation 560347 (VCV000560347.3), dbSNP rs1566897376, ClinGen allele CA658824940.

ClinVar aggregate classification (germline): Pathogenic (1 of 4 stars; one submission).

Conditions:
Marfan syndrome (MFS). Also called: Marfan syndrome type 1; Marfan's syndrome; Marfan syndrome, classic; FBN1-Related Marfan Syndrome; MARFAN SYNDROME, TYPE I. Identifiers: Orphanet 284963, Orphanet 558, MedGen C0024796, MONDO:0007947, OMIM 154700.

Submission:

Zhou Lab, Center of Laboratory Medicine, Fuwai Hospital
Classification: Pathogenic for Marfan syndrome. Last evaluated: 2018-08-27. Review status: criteria provided, single submitter. Criteria: ACMG Guidelines, 2015. Collection method: research. Allele origin: unknown. Inheritance: Autosomal dominant inheritance. Affected: yes. Observed: 1 variant allele.
Comment: Deletion of exon 50 from gene FBN1.